The following is an entry in ClinVar:

NM_006904.7(PRKDC):c.7211G>A (p.Arg2404His)

Gene: PRKDC (protein kinase, DNA-activated, catalytic subunit; minus strand). Cytogenetic location: 8q11.21.
Variant type: single nucleotide variant.
Coding change: c.7211G>A on transcript NM_006904.7 (MANE Select); coding-DNA position 7211, G replaced by A.
Protein change: p.Arg2404His; replaces arginine 2404 with histidine.
Molecular consequence: missense variant.
Genome position (GRCh38, 1-based): chr8:47,849,223, C>T on the plus strand (G>A on the coding strand, the complement: PRKDC is on the minus strand). VCF-style: chr8-47849223-C-T. GRCh37 (hg19) VCF-style: chr8-48761784-C-T.
Other names: c.7211G>A, p.Arg2404His (NM_001081640.2); short protein forms R2404H.
Identifiers: ClinVar variation 2161820 (VCV002161820.1), dbSNP rs750070103, ClinGen allele CA4740156.

ClinVar aggregate classification (germline): Uncertain significance (1 of 4 stars; one submission).

Conditions:
Severe combined immunodeficiency due to DNA-PKcs deficiency. Also called: IMMUNODEFICIENCY 26 WITH NEUROLOGIC ABNORMALITIES; Immunodeficiency 26 with or without neurologic abnormalities. Identifiers: Orphanet 317425, MedGen C4014833, MONDO:0014423, OMIM 615966.

Allele frequency attached by ClinVar (database versions not stated): ExAC 0.00001; TOPMed 0.00001.
gnomAD v4.1: 11 of 1,614,012 alleles (0.00068%); highest among the groups gnomAD compares: Admixed American, 0.0017%; no homozygotes.

Submission:

Labcorp Genetics (formerly Invitae), Labcorp
Classification: Uncertain significance for Severe combined immunodeficiency due to DNA-PKcs deficiency. Last evaluated: 2022-07-01. Review status: criteria provided, single submitter. Criteria: Invitae Variant Classification Sherloc (09022015). Collection method: clinical testing. Allele origin: germline.
Comment: This sequence change replaces arginine, which is basic and polar, with histidine, which is basic and polar, at codon 2404 of the PRKDC protein (p.Arg2404His). This variant is present in population databases (rs750070103, gnomAD 0.004%). This variant has not been reported in the literature in individuals affected with PRKDC-related conditions. Experimental studies and prediction algorithms are not available or were not evaluated, and the functional significance of this variant is currently unknown. In summary, the available evidence is currently insufficient to determine the role of this variant in disease. Therefore, it has been classified as a Variant of Uncertain Significance.